The following is an entry in ClinVar:

ClinVar aggregate classification (germline): Uncertain significance (1 of 4 stars; one submission).

gnomAD v4.1: 5 of 1,614,144 alleles (0.00031%); highest among the groups gnomAD compares: South Asian, 0.0033%; no homozygotes.

Submission:

Labcorp Genetics (formerly Invitae), Labcorp
Classification: Uncertain significance. Last evaluated: 2022-02-04. Review status: criteria provided, single submitter. Criteria: Invitae Variant Classification Sherloc (09022015). Collection method: clinical testing. Allele origin: germline.
Comment: This sequence change replaces valine, which is neutral and non-polar, with glutamic acid, which is acidic and polar, at codon 214 of the PSMB4 protein (p.Val214Glu). In summary, the available evidence is currently insufficient to determine the role of this variant in disease. Therefore, it has been classified as a Variant of Uncertain Significance. Algorithms developed to predict the effect of missense changes on protein structure and function (SIFT, PolyPhen-2, Align-GVGD) all suggest that this variant is likely to be disruptive. This variant has not been reported in the literature in individuals affected with PSMB4-related conditions. This variant is not present in population databases (gnomAD no frequency).

NM_002796.3(PSMB4):c.641T>A (p.Val214Glu)

Gene: PSMB4 (proteasome 20S subunit beta 4; plus strand). Cytogenetic location: 1q21.3.
Variant type: single nucleotide variant.
Coding change: c.641T>A on transcript NM_002796.3 (MANE Select); coding-DNA position 641, T replaced by A.
Protein change: p.Val214Glu; replaces valine 214 with glutamic acid.
Molecular consequence: missense variant.
Genome position (GRCh38, 1-based): chr1:151,401,303, T>A. VCF-style: chr1-151401303-T-A. GRCh37 (hg19) VCF-style: chr1-151373779-T-A.
Other names: short protein forms V214E.
Identifiers: ClinVar variation 1513888 (VCV001513888.8), dbSNP rs1652822563, ClinGen allele CA341926701.